The following is an entry in ClinVar:

ClinVar aggregate classification (germline): Uncertain significance (1 of 4 stars; one submission).

Conditions:
Leprechaunism syndrome. Also called: Donohue syndrome; LEPRECHAUNISM. Identifiers: Orphanet 508, MedGen C0265344, MONDO:0009517, OMIM 246200.
Insulin-resistant diabetes mellitus AND acanthosis nigricans. Also called: DIABETES MELLITUS, INSULIN-RESISTANT, WITH ACANTHOSIS NIGRICANS, TYPE A; type A insulin resistance; Insulin-resistance syndrome type A; INSULIN RECEPTOR, DEFECT IN, WITH INSULIN-RESISTANT DIABETES MELLITUS AND ACANTHOSIS NIGRICANS; IRAN, TYPE A. Identifiers: Orphanet 2297, MedGen C0342278, MONDO:0012520, OMIM 610549.
Hyperinsulinism due to INSR deficiency. Also called: Hyperinsulinism due to glutamodehydrogenase deficiency. Identifiers: Orphanet 263458, MedGen C1864952, MONDO:0012381, OMIM 609968.
Rabson-Mendenhall syndrome. Also called: Pineal hyperplasia AND diabetes mellitus syndrome; MENDENHALL SYNDROME; Pineal Hyperplasia, Insulin-Resistant Diabetes Mellitus, and Somatic Abnormalities. Identifiers: Orphanet 769, MedGen C0271695, MONDO:0009874, OMIM 262190.

gnomAD v4.1: 1 of 1,614,096 alleles (0.000062%); highest among the groups gnomAD compares: Non-Finnish European, 0.000085%; no homozygotes.

Submission:

Juno Genomics, Hangzhou Juno Genomics, Inc
Classification: Uncertain significance for Leprechaunism syndrome; Insulin-resistant diabetes mellitus AND acanthosis nigricans; Hyperinsulinism due to INSR deficiency; Rabson-Mendenhall syndrome. Review status: criteria provided, single submitter. Criteria: ACMG Guidelines, 2015. Collection method: clinical testing. Allele origin: germline.
Comment: Absent from controls (or at extremely low frequency if recessive) in Genome Aggregation Database.;Missense variant in a gene that has a low rate of benign missense variation.;Multiple lines of computational evidence support a deleterious effect on the gene or gene product.

NM_000208.4(INSR):c.434G>A (p.Arg145His)

Gene: INSR (insulin receptor; minus strand). Cytogenetic location: 19p13.2.
Variant type: single nucleotide variant.
Coding change: c.434G>A on transcript NM_000208.4 (MANE Select); coding-DNA position 434, G replaced by A.
Protein change: p.Arg145His; replaces arginine 145 with histidine.
Molecular consequence: missense variant.
Genome position (GRCh38, 1-based): chr19:7,267,563, C>T on the plus strand (G>A on the coding strand, the complement: INSR is on the minus strand). VCF-style: chr19-7267563-C-T. GRCh37 (hg19) VCF-style: chr19-7267574-C-T.
Other names: c.434G>A, p.Arg145His (NM_001079817.3); short protein forms R145H.
Identifiers: ClinVar variation 5006043 (VCV005006043.2).